The following is an entry in ClinVar:

ClinVar aggregate classification (germline): Uncertain significance (1 of 4 stars; one submission).

Conditions:
Charcot-Marie-Tooth Neuropathy X. Identifiers: MedGen CN118851.

Submission:

Labcorp Genetics (formerly Invitae), Labcorp
Classification: Uncertain significance for Charcot-Marie-Tooth Neuropathy X. Last evaluated: 2024-10-07. Review status: criteria provided, single submitter. Criteria: Invitae Variant Classification Sherloc (09022015). Collection method: clinical testing. Allele origin: germline.
Comment: This sequence change replaces aspartic acid, which is acidic and polar, with histidine, which is basic and polar, at codon 128 of the PRPS1 protein (p.Asp128His). This variant is not present in population databases (gnomAD no frequency). This variant has not been reported in the literature in individuals affected with PRPS1-related conditions. Invitae Evidence Modeling of protein sequence and biophysical properties (such as structural, functional, and spatial information, amino acid conservation, physicochemical variation, residue mobility, and thermodynamic stability) has been performed for this missense variant. However, the output from this modeling did not meet the statistical confidence thresholds required to predict the impact of this variant on PRPS1 protein function. Algorithms developed to predict the effect of sequence changes on RNA splicing suggest that this variant may disrupt the consensus splice site. This variant disrupts the p.Asp128 amino acid residue in PRPS1. Other variant(s) that disrupt this residue have been determined to be pathogenic (PMID: 32781272). This suggests that this residue is clinically significant, and that variants that disrupt this residue are likely to be disease-causing. In summary, the available evidence is currently insufficient to determine the role of this variant in disease. Therefore, it has been classified as a Variant of Uncertain Significance.

Literature cited by the submitters: PubMed 32781272.

NM_002764.4(PRPS1):c.382G>C (p.Asp128His)

Gene: PRPS1 (phosphoribosyl pyrophosphate synthetase 1; plus strand). Cytogenetic location: Xq22.3.
Variant type: single nucleotide variant.
Coding change: c.382G>C on transcript NM_002764.4 (MANE Select); coding-DNA position 382, G replaced by C.
Protein change: p.Asp128His; replaces aspartic acid 128 with histidine.
Molecular consequence: missense variant. On other transcripts: intron variant (1).
Genome position (GRCh38, 1-based): chrX:107,640,977, G>C. VCF-style: chrX-107640977-G-C. GRCh37 (hg19) VCF-style: chrX-106884207-G-C.
Other names: c.-82-4200G>C (NM_001204402.2); short protein forms D128H.
Identifiers: ClinVar variation 2858616 (VCV002858616.3), dbSNP rs2521339566, ClinGen allele CA413807323.